The following is an entry in ClinVar:

ClinVar aggregate classification (germline): Pathogenic (1 of 4 stars; one submission).

Submission:

Labcorp Genetics (formerly Invitae), Labcorp
Classification: Pathogenic. Last evaluated: 2021-10-24. Review status: criteria provided, single submitter. Criteria: Invitae Variant Classification Sherloc (09022015). Collection method: clinical testing. Allele origin: germline.
Comment: For these reasons, this variant has been classified as Pathogenic. This variant has not been reported in the literature in individuals affected with LAMA3-related conditions. This variant is not present in population databases (ExAC no frequency). This sequence change creates a premature translational stop signal (p.Gln458*) in the LAMA3 gene. It is expected to result in an absent or disrupted protein product. Loss-of-function variants in LAMA3 are known to be pathogenic (PMID: 10366601, 11810295, 12915477, 16473856, 17362460, 22434185, 23869449, 27827380, 28087116).

Literature cited by the submitters: PubMed 10366601; PubMed 11810295; PubMed 12915477; PubMed 16473856; PubMed 17362460; PubMed 22434185; PubMed 23869449; PubMed 27827380; PubMed 28087116.

NM_198129.4(LAMA3):c.6199C>T (p.Gln2067Ter)

Gene: LAMA3 (laminin subunit alpha 3; plus strand). Cytogenetic location: 18q11.2.
Variant type: single nucleotide variant.
Coding change: c.6199C>T on transcript NM_198129.4 (MANE Select); coding-DNA position 6199, C replaced by T.
Protein change: p.Gln2067Ter; replaces glutamine 2067 with a stop codon.
Molecular consequence: nonsense.
Genome position (GRCh38, 1-based): chr18:23,901,321, C>T. VCF-style: chr18-23901321-C-T. GRCh37 (hg19) VCF-style: chr18-21481285-C-T.
Other names: c.1372C>T, p.Gln458Ter (NM_000227.6); c.6031C>T, p.Gln2011Ter (NM_001127717.4); c.1204C>T, p.Gln402Ter (NM_001127718.4); short protein forms Q2011*, Q2067*, Q402*, Q458*.
Identifiers: ClinVar variation 1422425 (VCV001422425.6), dbSNP rs2145125519, ClinGen allele CA402048468.